The following is an entry in ClinVar:

ClinVar aggregate classification (germline): Uncertain significance. Review status: criteria provided, multiple submitters, no conflicts (2 of 4 stars). 2 submissions from 2 submitters: Uncertain significance (2). Last evaluated 2024-01-25.

Conditions:
Juvenile polyposis syndrome (JPS). Identifiers: Orphanet 2929, MedGen C0345893, MONDO:0017380, OMIM 174900.
Hereditary cancer-predisposing syndrome. Also called: Tumor predisposition; Neoplastic Syndromes, Hereditary; Hereditary Cancer Syndrome; Hereditary neoplastic syndrome. Identifiers: Orphanet 140162, MedGen C0027672, MeSH D009386, MONDO:0015356.

Submissions (2):

Labcorp Genetics (formerly Invitae), Labcorp
Classification: Uncertain significance for Juvenile polyposis syndrome. Last evaluated: 2024-01-25. Review status: criteria provided, single submitter. Criteria: Invitae Variant Classification Sherloc (09022015). Collection method: clinical testing. Allele origin: germline.
Comment: This sequence change replaces asparagine, which is neutral and polar, with serine, which is neutral and polar, at codon 251 of the SMAD4 protein (p.Asn251Ser). This variant is not present in population databases (gnomAD no frequency). This variant has not been reported in the literature in individuals affected with SMAD4-related conditions. ClinVar contains an entry for this variant (Variation ID: 490155). Advanced modeling of protein sequence and biophysical properties (such as structural, functional, and spatial information, amino acid conservation, physicochemical variation, residue mobility, and thermodynamic stability) performed at Invitae indicates that this missense variant is not expected to disrupt SMAD4 protein function with a negative predictive value of 95%. In summary, the available evidence is currently insufficient to determine the role of this variant in disease. Therefore, it has been classified as a Variant of Uncertain Significance.

Color Diagnostics, LLC DBA Color Health
Classification: Uncertain significance for Hereditary cancer-predisposing syndrome. Last evaluated: 2023-12-05. Review status: criteria provided, single submitter. Criteria: ACMG Guidelines, 2015. Collection method: clinical testing. Allele origin: germline.
Comment: This missense variant replaces asparagine with serine at codon 251 of the SMAD4 protein. Computational prediction suggests that this variant may not impact protein structure and function (internally defined REVEL score threshold <= 0.5, PMID: 27666373). To our knowledge, functional studies have not been reported for this variant. This variant has not been reported in individuals affected with SMAD4-related disorders in the literature. This variant has not been identified in the general population by the Genome Aggregation Database (gnomAD). The available evidence is insufficient to determine the role of this variant in disease conclusively. Therefore, this variant is classified as a Variant of Uncertain Significance.

NM_005359.6(SMAD4):c.752A>G (p.Asn251Ser)

Gene: SMAD4 (SMAD family member 4; plus strand). Cytogenetic location: 18q21.2.
Variant type: single nucleotide variant.
Coding change: c.752A>G on transcript NM_005359.6 (MANE Select); coding-DNA position 752, A replaced by G.
Protein change: p.Asn251Ser; replaces asparagine 251 with serine.
Molecular consequence: missense variant.
Genome position (GRCh38, 1-based): chr18:51,058,209, A>G. VCF-style: chr18-51058209-A-G. GRCh37 (hg19) VCF-style: chr18-48584579-A-G.
Other names: short protein forms N251S.
Identifiers: ClinVar variation 490155 (VCV000490155.8), dbSNP rs1555685926, ClinGen allele CA402463011.